The following is an entry in ClinVar:

ClinVar aggregate classification (germline): Uncertain significance. Review status: criteria provided, multiple submitters, no conflicts (2 of 4 stars). 2 submissions from 2 submitters: Uncertain significance (2). Last evaluated 2025-02-23.

Conditions:
Atrial fibrillation, familial, 11 (ATFB11). Identifiers: MedGen C3279693, MONDO:0013544, OMIM 614049.
Atrial standstill 1 (ATRST1). Also called: ATRIAL CARDIOMYOPATHY WITH HEART BLOCK; CARDIOMYOPATHY, FAMILIAL, WITH CONDUCTION DISTURBANCE; Atrial standstill, digenic (GJA5/SCN5A). Identifiers: Orphanet 1344, MedGen C4551959, MONDO:0007171, OMIM 108770.

Allele frequency attached by ClinVar (database versions not stated): gnomAD exomes 0.00001; TOPMed 0.00001.
gnomAD v4.1: 8 of 1,613,940 alleles (0.0005%); highest among the groups gnomAD compares: East Asian, 0.0067%; no homozygotes.

Submissions (2):

Labcorp Genetics (formerly Invitae), Labcorp
Classification: Uncertain significance for Atrial fibrillation, familial, 11; Atrial standstill 1. Last evaluated: 2025-02-23. Review status: criteria provided, single submitter. Criteria: Invitae Variant Classification Sherloc (09022015). Collection method: clinical testing. Allele origin: germline.
Comment: This sequence change creates a premature translational stop signal (p.Arg342*) in the GJA5 gene. While this is not anticipated to result in nonsense mediated decay, it is expected to disrupt the last 17 amino acid(s) of the GJA5 protein. This variant is present in population databases (no rsID available, gnomAD 0.006%). This variant has not been reported in the literature in individuals affected with GJA5-related conditions. ClinVar contains an entry for this variant (Variation ID: 1056660). Experimental studies and prediction algorithms are not available or were not evaluated, and the functional significance of this variant is currently unknown. In summary, the available evidence is currently insufficient to determine the role of this variant in disease. Therefore, it has been classified as a Variant of Uncertain Significance.

GeneDx
Classification: Uncertain significance. Last evaluated: 2019-08-08. Review status: criteria provided, single submitter. Criteria: GeneDx Variant Classification Process June 2021. Collection method: clinical testing. Allele origin: germline. Affected: yes.
Comment: Has not been previously published as pathogenic or benign to our knowledge; Not observed at a significant frequency in large population cohorts (Lek et al., 2016); Nonsense variant predicted to result in protein truncation; however, no loss-of-function variants have been reported downstream of this position in the protein (Stenson et al., 2014)

NM_181703.4(GJA5):c.1024C>T (p.Arg342Ter)

Gene: GJA5 (gap junction protein alpha 5; minus strand). Cytogenetic location: 1q21.2.
Variant type: single nucleotide variant.
Coding change: c.1024C>T on transcript NM_181703.4 (MANE Select); coding-DNA position 1024, C replaced by T.
Protein change: p.Arg342Ter; replaces arginine 342 with a stop codon.
Molecular consequence: nonsense.
Genome position (GRCh38, 1-based): chr1:147,758,215, G>A on the plus strand (C>T on the coding strand, the complement: GJA5 is on the minus strand). VCF-style: chr1-147758215-G-A. GRCh37 (hg19) VCF-style: chr1-147230323-G-A.
Other names: c.1024C>T, p.Arg342Ter (NM_005266.7); short protein forms R342*.
Identifiers: ClinVar variation 1056660 (VCV001056660.10), dbSNP rs782278675, ClinGen allele CA342393565.